The following is an entry in ClinVar:

NM_006015.6(ARID1A):c.1483C>A (p.His495Asn)

Gene: ARID1A (AT-rich interaction domain 1A; plus strand). Cytogenetic location: 1p36.11.
Variant type: single nucleotide variant.
Coding change: c.1483C>A on transcript NM_006015.6 (MANE Select); coding-DNA position 1483, C replaced by A.
Protein change: p.His495Asn; replaces histidine 495 with asparagine.
Molecular consequence: missense variant.
Genome position (GRCh38, 1-based): chr1:26,731,284, C>A. VCF-style: chr1-26731284-C-A. GRCh37 (hg19) VCF-style: chr1-27057775-C-A.
Other names: c.1483C>A, p.His495Asn (NM_139135.4); short protein forms H495N.
Identifiers: ClinVar variation 1931750 (VCV001931750.6), dbSNP rs1425323176, ClinGen allele CA339268171.

ClinVar aggregate classification (germline): Likely benign. Review status: criteria provided, single submitter (1 of 4 stars). 2 submissions from 2 submitters: Likely benign (1). 1 of the submissions does not count toward it. Last evaluated 2022-07-01.

Conditions:
ARID1A-related disorder. Also called: ARID1A-related condition.

Allele frequency attached by ClinVar (database versions not stated): gnomAD exomes below 0.00001.
gnomAD v4.1: 1 of 1,614,010 alleles (0.000062%); highest among the groups gnomAD compares: Admixed American, 0.0017%; no homozygotes.

Submissions (2):

Labcorp Genetics (formerly Invitae), Labcorp
Classification: Likely benign. Last evaluated: 2022-07-01. Review status: criteria provided, single submitter. Criteria: Invitae Variant Classification Sherloc (09022015). Collection method: clinical testing. Allele origin: germline.

PreventionGenetics, part of Exact Sciences
Classification: Uncertain significance for ARID1A-related condition. Last evaluated: 2024-07-17. Review status: no assertion criteria provided. Collection method: clinical testing. Allele origin: germline. Not counted in ClinVar's aggregate classification.
Comment: The ARID1A c.1483C>A variant is predicted to result in the amino acid substitution p.His495Asn. To our knowledge, this variant has not been reported in the literature. This variant is reported in 0.0029% of alleles in individuals of Latino descent in gnomAD. At this time, the clinical significance of this variant is uncertain due to the absence of conclusive functional and genetic evidence.